The following is an entry in ClinVar:

NM_177924.5(ASAH1):c.214G>A (p.Val72Met)

Gene: ASAH1 (N-acylsphingosine amidohydrolase 1; minus strand). Cytogenetic location: 8p22.
Variant type: single nucleotide variant.
Coding change: c.214G>A on transcript NM_177924.5 (MANE Select); coding-DNA position 214, G replaced by A.
Protein change: p.Val72Met; replaces valine 72 with methionine.
Molecular consequence: missense variant.
Genome position (GRCh38, 1-based): chr8:18,071,302, C>T on the plus strand (G>A on the coding strand, the complement: ASAH1 is on the minus strand). VCF-style: chr8-18071302-C-T. GRCh37 (hg19) VCF-style: chr8-17928811-C-T.
Other names: c.283G>A, p.Val95Met (NM_001127505.3); c.19G>A, p.Val7Met (NM_001363743.2); c.262G>A, p.Val88Met (NM_004315.6); short protein forms V88M, V72M, V7M, V95M.
Identifiers: ClinVar variation 259278 (VCV000259278.28), dbSNP rs1071645, ClinGen allele CA4650981.
Genomic context (GRCh38, chr8:18,071,302, plus strand): 5'-AAGAAATAAAATAAAAAATAAAAATAAAGAAATAAAAGATTTAAGCATCATAGCATACCA[C>T]TGGTGCCTTGTCAAGCATCAATTCATGCCATCTTTTGTAGGGTGGTAAGTCAAGATTTAT-3'
Protein context (NP_808592.2, residues 62-82): WHELMLDKAP[Val72Met]LKVIVNSLKN

ClinVar aggregate classification (germline): Benign. Review status: criteria provided, multiple submitters, no conflicts (2 of 4 stars). 13 submissions from 12 submitters: Benign (10). 3 of the submissions do not count toward it. Last evaluated 2026-02-04.

Conditions:
Spinal muscular atrophy-progressive myoclonic epilepsy syndrome. Also called: Hereditary myoclonus and progressive distal muscular atrophy; Spinal Muscular Atrophy with Progressive Myoclonic Epilepsy (SMA-PME); Spinal muscular atrophy with progressive myoclonic epilepsy; MYOCLONUS, HEREDITARY, WITH PROGRESSIVE DISTAL MUSCULAR ATROPHY. Identifiers: Orphanet 2590, MedGen C1834569, MONDO:0008045, OMIM 159950.
Farber lipogranulomatosis (FRBRL). Also called: Farber's lipogranulomatosis; AC DEFICIENCY; ACID CERAMIDASE DEFICIENCY; CERAMIDASE DEFICIENCY; N-LAURYLSPHINGOSINE DEACYLASE DEFICIENCY; Farber's disease. Identifiers: Orphanet 333, MedGen C0268255, MONDO:0009218, OMIM 228000.

Allele frequency attached by ClinVar (database versions not stated): 1000 Genomes Project 30x 0.42005; 1000 Genomes Project 0.42053; gnomAD 0.42367 and 0.42845; ESP Exome Variant Server 0.42427; TOPMed 0.43377; gnomAD exomes 0.48394 and 0.48724; ExAC 0.53855.
gnomAD v4.1: 743,279 of 1,553,802 alleles (48%); highest among the groups gnomAD compares: Admixed American, 61%; 182,271 homozygotes.

Submissions (13):

Labcorp Genetics (formerly Invitae), Labcorp
Classification: Benign. Last evaluated: 2026-02-04. Review status: criteria provided, single submitter. Criteria: Invitae Variant Classification Sherloc (09022015). Collection method: clinical testing. Allele origin: germline.

Blueprint Genetics
Classification: Benign. Last evaluated: 2024-11-27. Review status: criteria provided, single submitter. Criteria: ACMG Guidelines, 2015. Collection method: clinical testing. Allele origin: germline.

Genome-Nilou Lab
Classification: Benign for Farber lipogranulomatosis. Last evaluated: 2021-07-14. Review status: criteria provided, single submitter. Criteria: ACMG Guidelines, 2015. Collection method: clinical testing. Allele origin: germline. Affected: no.

Genome-Nilou Lab
Classification: Benign for Spinal muscular atrophy-progressive myoclonic epilepsy syndrome. Last evaluated: 2021-07-14. Review status: criteria provided, single submitter. Criteria: ACMG Guidelines, 2015. Collection method: clinical testing. Allele origin: germline. Affected: no.

GeneDx
Classification: Benign. Last evaluated: 2018-06-25. Review status: criteria provided, single submitter. Criteria: GeneDx Variant Classification Process June 2021. Collection method: clinical testing. Allele origin: germline. Affected: yes.
Comment: This variant is associated with the following publications: (PMID: 27026573)

Illumina Laboratory Services, Illumina
Classification: Benign for Farber lipogranulomatosis. Last evaluated: 2018-01-12. Review status: criteria provided, single submitter. Criteria: ICSL Variant Classification Criteria 13 December 2019. Collection method: clinical testing. Allele origin: germline.
Comment: This variant was observed in the ICSL laboratory as part of a predisposition screen in an ostensibly healthy population. It had not been previously curated by ICSL or reported in the Human Gene Mutation Database (HGMD: prior to June 1st, 2018), and was therefore a candidate for classification through an automated scoring system. Utilizing variant allele frequency, disease prevalence and penetrance estimates, and inheritance mode, an automated score was calculated to assess if this variant is too frequent to cause the disease. Based on the score and internal cut-off values, a variant classified as benign is not then subjected to further curation. The score for this variant resulted in a classification of benign for this disease.

Athena Diagnostics
Classification: Benign. Last evaluated: 2017-04-20. Review status: criteria provided, single submitter. Criteria: Athena Diagnostics Criteria. Collection method: clinical testing. Allele origin: germline.

Laboratory for Molecular Medicine, Mass General Brigham Personalized Medicine
Classification: Benign. Last evaluated: 2016-03-29. Review status: criteria provided, single submitter. Criteria: LMM Criteria. Collection method: clinical testing. Allele origin: germline.
Comment: Variant identified in a genome or exome case(s) and assessed due to predicted null impact of the variant or pathogenic assertions in the literature or databases. Disclaimer: This variant has not undergone full assessment. The following are preliminary notes: 54% of total chromosomes in ExAC

Breakthrough Genomics
Classification: Benign. Review status: criteria provided, single submitter. Criteria: ACMG Guidelines, 2015. Collection method: not provided. Allele origin: germline. Inheritance: Autosomal recessive inheritance. Affected: yes.

PreventionGenetics, part of Exact Sciences
Classification: Benign. Review status: criteria provided, single submitter. Criteria: ACMG Guidelines, 2015. Collection method: clinical testing. Allele origin: germline.

Mayo Clinic Laboratories, Mayo Clinic
Classification: Benign. Last evaluated: 2015-10-22. Review status: no assertion criteria provided. Collection method: clinical testing. Allele origin: unknown. Not counted in ClinVar's aggregate classification.

Clinical Genetics, Academic Medical Center
Classification: Benign. Review status: no assertion criteria provided. Collection method: clinical testing. Allele origin: germline. Affected: yes. Study: VKGL Data-share Consensus. Not counted in ClinVar's aggregate classification.

Diagnostic Laboratory, Department of Genetics, University Medical Center Groningen
Classification: Benign. Review status: no assertion criteria provided. Collection method: clinical testing. Allele origin: germline. Affected: yes. Study: VKGL Data-share Consensus. Not counted in ClinVar's aggregate classification.